The following is an entry in ClinVar:

ClinVar aggregate classification (germline): Conflicting classifications of pathogenicity. Review status: criteria provided, conflicting classifications (1 of 4 stars). 2 submissions from 2 submitters: Uncertain significance (1); Likely benign (1). Last evaluated 2025-10-06.

Conditions:
Inborn genetic diseases. Identifiers: MedGen C0950123, MeSH D030342.
Primary pulmonary hypertension. Also called: Idiopathic pulmonary hypertension. Identifiers: MedGen C0152171.

Allele frequency attached by ClinVar (database versions not stated): ExAC 0.00001; gnomAD exomes 0.00002; TOPMed 0.00003; gnomAD 0.00005.
gnomAD v4.1: 29 of 1,613,994 alleles (0.0018%); highest among the groups gnomAD compares: Non-Finnish European, 0.0024%; no homozygotes.

Submissions (2):

Labcorp Genetics (formerly Invitae), Labcorp
Classification: Likely benign for Primary pulmonary hypertension. Last evaluated: 2025-10-06. Review status: criteria provided, single submitter. Criteria: Invitae Variant Classification Sherloc (09022015). Collection method: clinical testing. Allele origin: germline.

Ambry Genetics
Classification: Uncertain significance for Inborn genetic diseases. Last evaluated: 2024-10-05. Review status: criteria provided, single submitter. Criteria: Ambry Variant Classification Scheme 2023. Collection method: clinical testing. Allele origin: germline.
Comment: The p.V451F variant (also known as c.1351G>T), located in coding exon 10 of the BMPR2 gene, results from a G to T substitution at nucleotide position 1351. The valine at codon 451 is replaced by phenylalanine, an amino acid with highly similar properties. This amino acid position is conserved. In addition, the in silico prediction for this alteration is inconclusive. Based on the available evidence, the clinical significance of this variant remains unclear.

NM_001204.7(BMPR2):c.1351G>T (p.Val451Phe)

Gene: BMPR2 (bone morphogenetic protein receptor type 2; plus strand). Cytogenetic location: 2q33.2.
Variant type: single nucleotide variant.
Coding change: c.1351G>T on transcript NM_001204.7 (MANE Select); coding-DNA position 1351, G replaced by T.
Protein change: p.Val451Phe; replaces valine 451 with phenylalanine.
Molecular consequence: missense variant.
Genome position (GRCh38, 1-based): chr2:202,542,385, G>T. VCF-style: chr2-202542385-G-T. GRCh37 (hg19) VCF-style: chr2-203407108-G-T.
Other names: short protein forms V451F.
Identifiers: ClinVar variation 2154740 (VCV002154740.6), dbSNP rs758688444, ClinGen allele CA2061351.